The following is an entry in ClinVar:

ClinVar aggregate classification (germline): Uncertain significance (1 of 4 stars; one submission).

Conditions:
Purine-nucleoside phosphorylase deficiency. Also called: NUCLEOSIDE PHOSPHORYLASE DEFICIENCY; Immunodeficiency due to purine nucleoside phosphorylase deficiency. Identifiers: Orphanet 760, MedGen C0268125, MONDO:0013171, OMIM 613179.

Allele frequency attached by ClinVar (database versions not stated): gnomAD 0.00001; TOPMed 0.00001.

Submission:

Labcorp Genetics (formerly Invitae), Labcorp
Classification: Uncertain significance for Purine-nucleoside phosphorylase deficiency. Last evaluated: 2022-08-23. Review status: criteria provided, single submitter. Criteria: Invitae Variant Classification Sherloc (09022015). Collection method: clinical testing. Allele origin: germline.
Comment: This sequence change replaces proline, which is neutral and non-polar, with threonine, which is neutral and polar, at codon 146 of the PNP protein (p.Pro146Thr). This variant is present in population databases (rs748615505, gnomAD 0.0009%). This variant has not been reported in the literature in individuals affected with PNP-related conditions. ClinVar contains an entry for this variant (Variation ID: 858334). Algorithms developed to predict the effect of missense changes on protein structure and function are either unavailable or do not agree on the potential impact of this missense change (SIFT: "Deleterious"; PolyPhen-2: "Probably Damaging"; Align-GVGD: "Class C0"). In summary, the available evidence is currently insufficient to determine the role of this variant in disease. Therefore, it has been classified as a Variant of Uncertain Significance.

NM_000270.4(PNP):c.436C>A (p.Pro146Thr)

Gene: PNP (purine nucleoside phosphorylase; plus strand). Cytogenetic location: 14q11.2.
Variant type: single nucleotide variant.
Coding change: c.436C>A on transcript NM_000270.4 (MANE Select); coding-DNA position 436, C replaced by A.
Protein change: p.Pro146Thr; replaces proline 146 with threonine.
Molecular consequence: missense variant.
Genome position (GRCh38, 1-based): chr14:20,474,923, C>A. VCF-style: chr14-20474923-C-A. GRCh37 (hg19) VCF-style: chr14-20943082-C-A.
Other names: short protein forms P146T.
Identifiers: ClinVar variation 858334 (VCV000858334.3), dbSNP rs748615505, ClinGen allele CA7082119.